The following is an entry in ClinVar:

NM_003235.5(TG):c.7239+4A>C

Gene: TG (thyroglobulin; plus strand). Cytogenetic location: 8q24.22.
Variant type: single nucleotide variant.
Coding change: c.7239+4A>C on transcript NM_003235.5 (MANE Select); 4 bases into the intron after coding-DNA position 7239, A replaced by C.
Molecular consequence: intron variant.
Genome position (GRCh38, 1-based): chr8:133,030,027, A>C. VCF-style: chr8-133030027-A-C. GRCh37 (hg19) VCF-style: chr8-134042272-A-C.
Identifiers: ClinVar variation 1320439 (VCV001320439.2), dbSNP rs763128813, ClinGen allele CA4885175.

ClinVar aggregate classification (germline): Uncertain significance (1 of 4 stars; one submission).

Allele frequency attached by ClinVar (database versions not stated): gnomAD exomes 0.00001 and 0.00003; TOPMed 0.00001; ExAC 0.00003.
gnomAD v4.1: 16 of 1,614,194 alleles (0.00099%); highest among the groups gnomAD compares: East Asian, 0.036%; no homozygotes.

Submission:

GeneDx
Classification: Uncertain significance. Last evaluated: 2019-11-26. Review status: criteria provided, single submitter. Criteria: GeneDx Variant Classification Process June 2021. Collection method: clinical testing. Allele origin: germline. Affected: yes.
Comment: In silico analysis, which includes splice predictors and evolutionary conservation, supports that this variant does not alter protein structure/function; Has not been previously published as pathogenic or benign to our knowledge